The following is an entry in ClinVar:

NM_001318510.2(ACSL4):c.1879C>T (p.Pro627Ser)

Gene: ACSL4 (acyl-CoA synthetase long chain family member 4; minus strand). Cytogenetic location: Xq23.
Variant type: single nucleotide variant.
Coding change: c.1879C>T on transcript NM_001318510.2 (MANE Select); coding-DNA position 1879, C replaced by T.
Protein change: p.Pro627Ser; replaces proline 627 with serine.
Molecular consequence: missense variant.
Genome position (GRCh38, 1-based): chrX:109,644,163, G>A on the plus strand (C>T on the coding strand, the complement: ACSL4 is on the minus strand). VCF-style: chrX-109644163-G-A. GRCh37 (hg19) VCF-style: chrX-108887392-G-A.
Other names: c.2002C>T, p.Pro668Ser (NM_001318509.2, NM_022977.3); c.1879C>T, p.Pro627Ser (NM_004458.3); short protein forms P627S, P668S.
Identifiers: ClinVar variation 3390828 (VCV003390828.1).

ClinVar aggregate classification (germline): Uncertain significance (1 of 4 stars; one submission).

Submission:

GeneDx
Classification: Uncertain significance. Last evaluated: 2024-06-10. Review status: criteria provided, single submitter. Criteria: GeneDx Variant Classification Process June 2021. Collection method: clinical testing. Allele origin: germline. Affected: yes.
Comment: Not observed at significant frequency in large population cohorts (gnomAD); In silico analysis supports that this missense variant has a deleterious effect on protein structure/function; Has not been previously published as pathogenic or benign to our knowledge